The following is an entry in ClinVar:

ClinVar aggregate classification (germline): Uncertain significance. Review status: criteria provided, multiple submitters, no conflicts (2 of 4 stars). 2 submissions from 2 submitters: Uncertain significance (2). Last evaluated 2024-07-29.

Allele frequency attached by ClinVar (database versions not stated): TOPMed below 0.00001; ESP Exome Variant Server 0.00008.
gnomAD v4.1: 26 of 1,596,690 alleles (0.0016%); highest among the groups gnomAD compares: Middle Eastern, 0.021%; no homozygotes.

Submissions (2):

Labcorp Genetics (formerly Invitae), Labcorp
Classification: Uncertain significance. Last evaluated: 2024-07-29. Review status: criteria provided, single submitter. Criteria: Invitae Variant Classification Sherloc (09022015). Collection method: clinical testing. Allele origin: germline.
Comment: This sequence change replaces glutamic acid, which is acidic and polar, with aspartic acid, which is acidic and polar, at codon 316 of the PCNT protein (p.Glu316Asp). This variant is present in population databases (rs369860393, gnomAD 0.001%). This variant has not been reported in the literature in individuals affected with PCNT-related conditions. ClinVar contains an entry for this variant (Variation ID: 809309). An algorithm developed to predict the effect of missense changes on protein structure and function outputs the following: PolyPhen-2: "Possibly Damaging". The aspartic acid amino acid residue is found in multiple mammalian species, which suggests that this missense change does not adversely affect protein function. In summary, the available evidence is currently insufficient to determine the role of this variant in disease. Therefore, it has been classified as a Variant of Uncertain Significance.

CeGaT Center for Human Genetics Tuebingen
Classification: Uncertain significance. Last evaluated: 2017-05-01. Review status: criteria provided, single submitter. Criteria: CeGaT Center For Human Genetics Tuebingen Variant Classification Criteria Version 2. Collection method: clinical testing. Allele origin: germline. Affected: yes. Observed: 1 variant allele.

NM_006031.6(PCNT):c.948G>C (p.Glu316Asp)

Gene: PCNT (pericentrin; plus strand). Cytogenetic location: 21q22.3.
Variant type: single nucleotide variant.
Coding change: c.948G>C on transcript NM_006031.6 (MANE Select); coding-DNA position 948, G replaced by C.
Protein change: p.Glu316Asp; replaces glutamic acid 316 with aspartic acid.
Molecular consequence: missense variant.
Genome position (GRCh38, 1-based): chr21:46,346,970, G>C. VCF-style: chr21-46346970-G-C. GRCh37 (hg19) VCF-style: chr21-47766884-G-C.
Other names: c.594G>C, p.Glu198Asp (NM_001315529.2); short protein forms E316D, E198D.
Identifiers: ClinVar variation 809309 (VCV000809309.46), dbSNP rs369860393, ClinGen allele CA10078455.
Genomic context (GRCh38, chr21:46,346,970, plus strand): 5'-GAGCAGGCAGCAGCACGAGCTGGAGCTCCTCAGGGAGCAGCACGCACGGGAGAAGGAGGA[G>C]GTGGTGCTCAGGTGTGGACAGGAAGCAGGTACTGCATGGCTAGGCGGGCACGGGCAGCGT-3'
Protein context (NP_006022.3, residues 306-326): LREQHAREKE[Glu316Asp]VVLRCGQEAA